The following is an entry in ClinVar:

ClinVar aggregate classification (germline): Uncertain significance. Review status: criteria provided, multiple submitters, no conflicts (2 of 4 stars). 2 submissions from 2 submitters: Uncertain significance (2). Last evaluated 2022-10-10.

Conditions:
Skeletal dysplasia, mild, with joint laxity and advanced bone age. Identifiers: MedGen C5394341, MONDO:0030029, OMIM 618870.

Allele frequency attached by ClinVar (database versions not stated): 1000 Genomes Project 30x 0.00016; 1000 Genomes Project 0.00020; gnomAD 0.00060 and 0.00063; ESP Exome Variant Server 0.00123.
gnomAD v4.1: 1,727 of 1,614,150 alleles (0.11%); highest among the groups gnomAD compares: Non-Finnish European, 0.14%; no homozygotes.

Submissions (7):

Department of Pathology and Laboratory Medicine, Sinai Health System
Classification: Uncertain significance for Skeletal dysplasia, mild, with joint laxity and advanced bone age. Last evaluated: 2022-10-10. Review status: criteria provided, single submitter. Criteria: ACMG Guidelines, 2015. Collection method: research. Allele origin: germline.

Labcorp Genetics (formerly Invitae), Labcorp
Classification: Uncertain significance. Last evaluated: 2022-09-19. Review status: criteria provided, single submitter. Criteria: Invitae Variant Classification Sherloc (09022015). Collection method: clinical testing. Allele origin: germline.
Comment: This sequence change falls in intron 4 of the CSGALNACT1 gene. It does not directly change the encoded amino acid sequence of the CSGALNACT1 protein. It affects a nucleotide within the consensus splice site. This variant is present in population databases (rs200374988, gnomAD 0.1%), and has an allele count higher than expected for a pathogenic variant. This variant has not been reported in the literature in individuals affected with CSGALNACT1-related conditions. ClinVar contains an entry for this variant (Variation ID: 1522757). Variants that disrupt the consensus splice site are a relatively common cause of aberrant splicing (PMID: 17576681, 9536098). Algorithms developed to predict the effect of sequence changes on RNA splicing suggest that this variant may disrupt the consensus splice site. In summary, the available evidence is currently insufficient to determine the role of this variant in disease. Therefore, it has been classified as a Variant of Uncertain Significance.

Dr. Peter K. Rogan Lab, Western University
No classification provided (evidence only). Condition: Clear cell carcinoma of kidney. Review status: no classification provided. Collection method: in vitro. Allele origin: not applicable. Functional consequence: retained intron. Not counted in ClinVar's aggregate classification.

Dr. Peter K. Rogan Lab, Western University
No classification provided (evidence only). Condition: Familial cancer of breast. Review status: no classification provided. Collection method: in vitro. Allele origin: not applicable. Functional consequence: retained intron. Not counted in ClinVar's aggregate classification.

Dr. Peter K. Rogan Lab, Western University
No classification provided (evidence only). Condition: Cervical cancer. Review status: no classification provided. Collection method: in vitro. Allele origin: not applicable. Functional consequence: retained intron. Not counted in ClinVar's aggregate classification.

Dr. Peter K. Rogan Lab, Western University
No classification provided (evidence only). Condition: Gastric cancer. Review status: no classification provided. Collection method: in vitro. Allele origin: not applicable. Functional consequence: retained intron. Not counted in ClinVar's aggregate classification.

Dr. Peter K. Rogan Lab, Western University
No classification provided (evidence only). Condition: Malignant tumor of esophagus. Review status: no classification provided. Collection method: in vitro. Allele origin: not applicable. Functional consequence: retained intron. Not counted in ClinVar's aggregate classification.

Literature cited by the submitters: PubMed 17576681 (cited by Labcorp Genetics (formerly Invitae), Labcorp); PubMed 9536098 (cited by Labcorp Genetics (formerly Invitae), Labcorp).

NM_001354483.2(CSGALNACT1):c.634+5G>C

Gene: CSGALNACT1 (chondroitin sulfate N-acetylgalactosaminyltransferase 1; minus strand). Cytogenetic location: 8p21.3.
Variant type: single nucleotide variant.
Coding change: c.634+5G>C on transcript NM_001354483.2 (MANE Select); 5 bases into the intron after coding-DNA position 634, G replaced by C.
Molecular consequence: intron variant.
Genome position (GRCh38, 1-based): chr8:19,505,196, C>G on the plus strand (G>C on the coding strand, the complement: CSGALNACT1 is on the minus strand). VCF-style: chr8-19505196-C-G. GRCh37 (hg19) VCF-style: chr8-19362707-C-G.
Other names: c.634+5G>C (NM_001354476.2, NM_001354481.2, NM_001354477.2 and 18 more transcripts).
Identifiers: ClinVar variation 1522757 (VCV001522757.5), dbSNP rs200374988, ClinGen allele CA4654189.